The following is an entry in ClinVar:

NM_017934.7(PHIP):c.3658C>G (p.Arg1220Gly)

Genes: IRAK1BP1 (interleukin 1 receptor associated kinase 1 binding protein 1; plus strand), PHIP (PHIP subunit of CUL4-Ring ligase complex; minus strand). Cytogenetic location: 6q14.1.
Variant type: single nucleotide variant.
Coding change: c.3658C>G on transcript NM_017934.7 (MANE Select); coding-DNA position 3658, C replaced by G.
Protein change: p.Arg1220Gly; replaces arginine 1220 with glycine.
Molecular consequence: missense variant.
Genome position (GRCh38, 1-based): chr6:78,958,599, G>C on the plus strand (C>G on the coding strand, the complement: PHIP is on the minus strand). VCF-style: chr6-78958599-G-C. GRCh37 (hg19) VCF-style: chr6-79668316-G-C.
Other names: short protein forms R1220G.
Identifiers: ClinVar variation 4987599 (VCV004987599.1).

ClinVar aggregate classification (germline): Uncertain significance (1 of 4 stars; one submission).

Conditions:
PHIP-related disorder. Also called: PHIP-related disorders; PHIP-related condition.

Submission:

PreventionGenetics, part of Exact Sciences
Classification: Uncertain significance for PHIP-related condition. Last evaluated: 2026-07-21. Review status: criteria provided, single submitter. Criteria: ACMG Guidelines, 2015. Collection method: clinical testing. Allele origin: germline.
Comment: The PHIP c.3658C>G variant is predicted to result in the amino acid substitution p.Arg1220Gly. To our knowledge, this variant has not been reported in the literature or in a large population database (gnomAD), indicating this variant is rare. At this time, the clinical significance of this variant is uncertain due to the absence of conclusive functional and genetic evidence.